The following is an entry in ClinVar:

ClinVar aggregate classification (germline): Uncertain significance (1 of 4 stars; one submission).

gnomAD v4.1: 1 of 1,613,598 alleles (0.000062%); highest among the groups gnomAD compares: Non-Finnish European, 0.000085%; no homozygotes.

Submission:

Ambry Genetics
Classification: Uncertain significance. Last evaluated: 2025-03-10. Review status: criteria provided, single submitter. Criteria: Ambry Variant Classification Scheme 2023. Collection method: clinical testing. Allele origin: germline.
Comment: The p.G663S variant (also known as c.1987G>A), located in coding exon 13 of the GEN1 gene, results from a G to A substitution at nucleotide position 1987. The glycine at codon 663 is replaced by serine, an amino acid with similar properties. This amino acid position is conserved. In addition, this alteration is predicted to be tolerated by in silico analysis. Based on the available evidence, the clinical significance of this variant remains unclear.

NM_001130009.3(GEN1):c.1987G>A (p.Gly663Ser)

Gene: GEN1 (GEN1 Holliday junction 5' flap endonuclease; plus strand). Cytogenetic location: 2p24.2.
Variant type: single nucleotide variant.
Coding change: c.1987G>A on transcript NM_001130009.3 (MANE Select); coding-DNA position 1987, G replaced by A.
Protein change: p.Gly663Ser; replaces glycine 663 with serine.
Molecular consequence: missense variant.
Genome position (GRCh38, 1-based): chr2:17,781,199, G>A. VCF-style: chr2-17781199-G-A. GRCh37 (hg19) VCF-style: chr2-17962466-G-A.
Other names: c.1987G>A, p.Gly663Ser (NM_182625.5); short protein forms G663S.
Identifiers: ClinVar variation 3853622 (VCV003853622.1).